The following is an entry in ClinVar:

ClinVar aggregate classification (germline): Uncertain significance. Review status: criteria provided, multiple submitters, no conflicts (2 of 4 stars). 2 submissions from 2 submitters: Uncertain significance (2). Last evaluated 2025-10-07.

Conditions:
Inborn genetic diseases. Identifiers: MedGen C0950123, MeSH D030342.
Glutamate formiminotransferase deficiency. Also called: Arakawa syndrome 1; Formiminoglutamic aciduria. Identifiers: Orphanet 51208, MedGen C0268609, MONDO:0009240, OMIM 229100.

Allele frequency attached by ClinVar (database versions not stated): TOPMed below 0.00001.
gnomAD v4.1: 10 of 1,612,794 alleles (0.00062%); highest among the groups gnomAD compares: Admixed American, 0.017%; no homozygotes.

Submissions (2):

Ambry Genetics
Classification: Uncertain significance for Inborn genetic diseases. Last evaluated: 2025-10-07. Review status: criteria provided, single submitter. Criteria: Ambry Variant Classification Scheme 2023. Collection method: clinical testing. Allele origin: germline.

Labcorp Genetics (formerly Invitae), Labcorp
Classification: Uncertain significance for Glutamate formiminotransferase deficiency. Last evaluated: 2022-10-17. Review status: criteria provided, single submitter. Criteria: Invitae Variant Classification Sherloc (09022015). Collection method: clinical testing. Allele origin: germline.
Comment: In summary, the available evidence is currently insufficient to determine the role of this variant in disease. Therefore, it has been classified as a Variant of Uncertain Significance. Advanced modeling of protein sequence and biophysical properties (such as structural, functional, and spatial information, amino acid conservation, physicochemical variation, residue mobility, and thermodynamic stability) performed at Invitae indicates that this missense variant is not expected to disrupt FTCD protein function. This variant has not been reported in the literature in individuals affected with FTCD-related conditions. This variant is present in population databases (rs745312716, gnomAD 0.02%). This sequence change replaces leucine, which is neutral and non-polar, with isoleucine, which is neutral and non-polar, at codon 238 of the FTCD protein (p.Leu238Ile).

NM_206965.2(FTCD):c.712C>A (p.Leu238Ile)

Gene: FTCD (formimidoyltransferase cyclodeaminase; minus strand). Cytogenetic location: 21q22.3.
Variant type: single nucleotide variant.
Coding change: c.712C>A on transcript NM_206965.2 (MANE Select); coding-DNA position 712, C replaced by A.
Protein change: p.Leu238Ile; replaces leucine 238 with isoleucine.
Molecular consequence: missense variant.
Genome position (GRCh38, 1-based): chr21:46,150,450, G>T on the plus strand (C>A on the coding strand, the complement: FTCD is on the minus strand). VCF-style: chr21-46150450-G-T. GRCh37 (hg19) VCF-style: chr21-47570364-G-T.
Other names: c.712C>A, p.Leu238Ile (NM_001320412.2, NM_006657.3); c.712C>A (NM_006657.2); short protein forms L238I.
Identifiers: ClinVar variation 2083197 (VCV002083197.5), dbSNP rs745312716, ClinGen allele CA10073761.